The following is an entry in ClinVar:

NM_001429.4(EP300):c.1642G>A (p.Ala548Thr)

Gene: EP300 (EP300 lysine acetyltransferase; plus strand). Cytogenetic location: 22q13.2.
Variant type: single nucleotide variant.
Coding change: c.1642G>A on transcript NM_001429.4 (MANE Select); coding-DNA position 1642, G replaced by A.
Protein change: p.Ala548Thr; replaces alanine 548 with threonine.
Molecular consequence: missense variant.
Genome position (GRCh38, 1-based): chr22:41,137,672, G>A. VCF-style: chr22-41137672-G-A. GRCh37 (hg19) VCF-style: chr22-41533676-G-A.
Other names: c.1642G>A, p.Ala548Thr (NM_001362843.2); short protein forms A548T.
Identifiers: ClinVar variation 3637794 (VCV003637794.2).

ClinVar aggregate classification (germline): Uncertain significance (1 of 4 stars; one submission).

Conditions:
Rubinstein-Taybi syndrome due to EP300 haploinsufficiency. Also called: EP300-Related Rubinstein-Taybi Syndrome; RUBINSTEIN-TAYBI SYNDROME 2. Identifiers: Orphanet 353284, Orphanet 783, MedGen C3150941, MONDO:0013364, OMIM 613684.

gnomAD v4.1: 7 of 1,614,114 alleles (0.00043%); highest among the groups gnomAD compares: Non-Finnish European, 0.00059%; no homozygotes.

Submission:

Labcorp Genetics (formerly Invitae), Labcorp
Classification: Uncertain significance for Rubinstein-Taybi syndrome due to EP300 haploinsufficiency. Last evaluated: 2024-12-12. Review status: criteria provided, single submitter. Criteria: Invitae Variant Classification Sherloc (09022015). Collection method: clinical testing. Allele origin: germline.
Comment: This sequence change replaces alanine, which is neutral and non-polar, with threonine, which is neutral and polar, at codon 548 of the EP300 protein (p.Ala548Thr). This variant is not present in population databases (gnomAD no frequency). This variant has not been reported in the literature in individuals affected with EP300-related conditions. Invitae Evidence Modeling of protein sequence and biophysical properties (such as structural, functional, and spatial information, amino acid conservation, physicochemical variation, residue mobility, and thermodynamic stability) indicates that this missense variant is not expected to disrupt EP300 protein function with a negative predictive value of 95%. In summary, the available evidence is currently insufficient to determine the role of this variant in disease. Therefore, it has been classified as a Variant of Uncertain Significance.